The following is an entry in ClinVar:

ClinVar aggregate classification (germline): Uncertain significance (1 of 4 stars; one submission).

Submission:

Labcorp Genetics (formerly Invitae), Labcorp
Classification: Uncertain significance. Last evaluated: 2022-06-29. Review status: criteria provided, single submitter. Criteria: Invitae Variant Classification Sherloc (09022015). Collection method: clinical testing. Allele origin: germline.
Comment: Algorithms developed to predict the effect of missense changes on protein structure and function are either unavailable or do not agree on the potential impact of this missense change (SIFT: "Tolerated"; PolyPhen-2: "Not Available"; Align-GVGD: "Class C0"). In summary, the available evidence is currently insufficient to determine the role of this variant in disease. Therefore, it has been classified as a Variant of Uncertain Significance. This variant has not been reported in the literature in individuals affected with PTPN23-related conditions. This variant is not present in population databases (gnomAD no frequency). This sequence change replaces glycine, which is neutral and non-polar, with glutamic acid, which is acidic and polar, at codon 941 of the PTPN23 protein (p.Gly941Glu).

NM_015466.4(PTPN23):c.2822G>A (p.Gly941Glu)

Gene: PTPN23 (protein tyrosine phosphatase non-receptor type 23; plus strand). Cytogenetic location: 3p21.31.
Variant type: single nucleotide variant.
Coding change: c.2822G>A on transcript NM_015466.4 (MANE Select); coding-DNA position 2822, G replaced by A.
Protein change: p.Gly941Glu; replaces glycine 941 with glutamic acid.
Molecular consequence: missense variant.
Genome position (GRCh38, 1-based): chr3:47,410,620, G>A. VCF-style: chr3-47410620-G-A. GRCh37 (hg19) VCF-style: chr3-47452110-G-A.
Other names: c.2444G>A, p.Gly815Glu (NM_001304482.2); short protein forms G815E, G941E.
Identifiers: ClinVar variation 2011004 (VCV002011004.4), dbSNP rs1705254810, ClinGen allele CA352560535.